The following is an entry in ClinVar:

ClinVar aggregate classification (germline): Benign (1 of 4 stars; one submission).

Conditions:
Peutz-Jeghers syndrome (PJS). Also called: POLYPOSIS, HAMARTOMATOUS INTESTINAL; POLYPS-AND-SPOTS SYNDROME; Peutz-Jeghers polyposis; Periorificial lentiginosis syndrome. Identifiers: Orphanet 2869, MedGen C0031269, MeSH D010580, MONDO:0008280, OMIM 175200.

Submission:

Myriad Genetics, Inc.
Classification: Benign for Peutz-Jeghers syndrome. Last evaluated: 2025-03-25. Review status: criteria provided, single submitter. Criteria: Myriad Autosomal Dominant, Autosomal Recessive and X-Linked Classification Criteria (2023). Collection method: clinical testing. Allele origin: unknown.
Comment: This variant is considered benign. This variant is a silent/synonymous amino acid change and it is not expected to impact splicing.

NM_000455.5(STK11):c.240C>A (p.Leu80=)

Gene: STK11 (serine/threonine kinase 11; plus strand). Cytogenetic location: 19p13.3.
Variant type: single nucleotide variant.
Coding change: c.240C>A on transcript NM_000455.5 (MANE Select); coding-DNA position 240, C replaced by A.
Protein change: p.Leu80=; no amino-acid change (leucine 80 retained).
Molecular consequence: synonymous variant. On other transcripts: non-coding transcript variant (1).
Genome position (GRCh38, 1-based): chr19:1,207,153, C>A. VCF-style: chr19-1207153-C-A. GRCh37 (hg19) VCF-style: chr19-1207152-C-A.
Other names: c.240C>A, p.Leu80= (NM_001407255.1).
Identifiers: ClinVar variation 3903783 (VCV003903783.1).